The following is an entry in ClinVar:

ClinVar aggregate classification (germline): Uncertain significance. Review status: criteria provided, multiple submitters, no conflicts (2 of 4 stars). 4 submissions from 4 submitters: Uncertain significance (3). 1 of the submissions does not count toward it. Last evaluated 2024-04-24.

Conditions:
Mucopolysaccharidosis, MPS-III-A (MPS3A). Also called: mucopolysaccharidosis type 3A; MPS IIIA (Sanfilippo Syndrome Type A); HEPARAN SULFATE SULFATASE DEFICIENCY; MUCOPOLYSACCHARIDOSIS, TYPE IIIA, ATTENUATED; Mucopolysaccharidosis type IIIA (Sanfilippo A); Mucopolysaccharidosis, type IIIA. Identifiers: Orphanet 581, Orphanet 79269, MedGen C0086647, MONDO:0009655, OMIM 252900.

Allele frequency attached by ClinVar (database versions not stated): gnomAD exomes below 0.00001 and 0.00001; gnomAD 0.00001; TOPMed 0.00001.

Submissions (4):

GeneDx
Classification: Uncertain significance. Last evaluated: 2024-04-24. Review status: criteria provided, single submitter. Criteria: GeneDx Variant Classification Process June 2021. Collection method: clinical testing. Allele origin: germline. Affected: yes.
Comment: Not observed at significant frequency in large population cohorts (gnomAD); In silico analysis, which includes protein predictors and evolutionary conservation, supports a deleterious effect; Has not been previously published as pathogenic or benign to our knowledge

Labcorp Genetics (formerly Invitae), Labcorp
Classification: Uncertain significance for Mucopolysaccharidosis, MPS-III-A. Last evaluated: 2022-09-07. Review status: criteria provided, single submitter. Criteria: Invitae Variant Classification Sherloc (09022015). Collection method: clinical testing. Allele origin: germline.
Comment: This sequence change replaces glutamine, which is neutral and polar, with arginine, which is basic and polar, at codon 147 of the SGSH protein (p.Gln147Arg). This variant is present in population databases (no rsID available, gnomAD 0.0009%). This missense change has been observed in individual(s) with global developmental delay with mixed hyper and hypotonia (Invitae). ClinVar contains an entry for this variant (Variation ID: 958222). Algorithms developed to predict the effect of missense changes on protein structure and function are either unavailable or do not agree on the potential impact of this missense change (SIFT: "Deleterious"; PolyPhen-2: "Probably Damaging"; Align-GVGD: "Class C0"). In summary, the available evidence is currently insufficient to determine the role of this variant in disease. Therefore, it has been classified as a Variant of Uncertain Significance.

Genome-Nilou Lab
Classification: Uncertain significance for Mucopolysaccharidosis, MPS-III-A. Last evaluated: 2021-11-07. Review status: criteria provided, single submitter. Criteria: ACMG Guidelines, 2015. Collection method: clinical testing. Allele origin: germline. Affected: no.

Natera, Inc.
Classification: Uncertain significance for Mucopolysaccharidosis type IIIA. Last evaluated: 2020-06-30. Review status: no assertion criteria provided. Collection method: clinical testing. Allele origin: germline. Not counted in ClinVar's aggregate classification.

NM_000199.5(SGSH):c.440A>G (p.Gln147Arg)

Gene: SGSH (N-sulfoglucosamine sulfohydrolase; minus strand). Cytogenetic location: 17q25.3.
Variant type: single nucleotide variant.
Coding change: c.440A>G on transcript NM_000199.5 (MANE Select); coding-DNA position 440, A replaced by G.
Protein change: p.Gln147Arg; replaces glutamine 147 with arginine.
Molecular consequence: missense variant. On other transcripts: non-coding transcript variant (1).
Genome position (GRCh38, 1-based): chr17:80,214,681, T>C on the plus strand (A>G on the coding strand, the complement: SGSH is on the minus strand). VCF-style: chr17-80214681-T-C. GRCh37 (hg19) VCF-style: chr17-78188480-T-C.
Other names: c.440A>G, p.Gln147Arg (NM_001352921.3, NM_001352922.2); short protein forms Q147R.
Identifiers: ClinVar variation 958222 (VCV000958222.12), dbSNP rs1408975480, ClinGen allele CA401362804.
Genomic context (GRCh38, chr17:80,214,681, plus strand): 5'-TCCTGAGTCTGCAGGAATTTCCGGACGAGCAGCTTAATTCTAGTGATGTTCCGCCCCACC[T>C]GGAGGACGGAGCCATTCTCCTCCGTGTACGCAAAGTCAAACGGGTACACGGTCTCCGGCC-3'
Protein context (NP_000190.1, residues 137-157): AYTEENGSVL[Gln147Arg]VGRNITRIKL